The following is an entry in ClinVar:

ClinVar aggregate classification (germline): Uncertain significance. Review status: criteria provided, multiple submitters, no conflicts (2 of 4 stars). 2 submissions from 2 submitters: Uncertain significance (2). Last evaluated 2025-09-02.

Conditions:
Inborn genetic diseases. Identifiers: MedGen C0950123, MeSH D030342.

Allele frequency attached by ClinVar (database versions not stated): TOPMed below 0.00001.
gnomAD v4.1: 34 of 1,614,150 alleles (0.0021%); highest among the groups gnomAD compares: East Asian, 0.0045%; no homozygotes.

Submissions (2):

Labcorp Genetics (formerly Invitae), Labcorp
Classification: Uncertain significance. Last evaluated: 2025-09-02. Review status: criteria provided, single submitter. Criteria: Invitae Variant Classification Sherloc (09022015). Collection method: clinical testing. Allele origin: germline.
Comment: This sequence change replaces arginine, which is basic and polar, with tryptophan, which is neutral and slightly polar, at codon 410 of the TGM6 protein (p.Arg410Trp). This variant is present in population databases (no rsID available, gnomAD 0.006%). This variant has not been reported in the literature in individuals affected with TGM6-related conditions. ClinVar contains an entry for this variant (Variation ID: 2978283). Invitae Evidence Modeling of protein sequence and biophysical properties (such as structural, functional, and spatial information, amino acid conservation, physicochemical variation, residue mobility, and thermodynamic stability) indicates that this missense variant is not expected to disrupt TGM6 protein function with a negative predictive value of 80%. In summary, the available evidence is currently insufficient to determine the role of this variant in disease. Therefore, it has been classified as a Variant of Uncertain Significance.

Ambry Genetics
Classification: Uncertain significance for Inborn genetic diseases. Last evaluated: 2025-06-11. Review status: criteria provided, single submitter. Criteria: Ambry Variant Classification Scheme 2023. Collection method: clinical testing. Allele origin: germline.

NM_198994.3(TGM6):c.1228C>T (p.Arg410Trp)

Gene: TGM6 (transglutaminase 6; plus strand). Cytogenetic location: 20p13.
Variant type: single nucleotide variant.
Coding change: c.1228C>T on transcript NM_198994.3 (MANE Select); coding-DNA position 1228, C replaced by T.
Protein change: p.Arg410Trp; replaces arginine 410 with tryptophan.
Molecular consequence: missense variant.
Genome position (GRCh38, 1-based): chr20:2,403,715, C>T. VCF-style: chr20-2403715-C-T. GRCh37 (hg19) VCF-style: chr20-2384361-C-T.
Other names: c.1228C>T (NM_198994.2); c.1228C>T, p.Arg410Trp (NM_001254734.2); short protein forms R410W.
Identifiers: ClinVar variation 2978283 (VCV002978283.4), dbSNP rs1165466326, ClinGen allele CA408013082.